The following is an entry in ClinVar:

ClinVar aggregate classification (germline): Uncertain significance. Review status: criteria provided, single submitter (1 of 4 stars). 2 submissions from 2 submitters: Uncertain significance (1). 1 of the submissions does not count toward it. Last evaluated 2025-08-20.

Conditions:
Autosomal recessive limb-girdle muscular dystrophy type 2I. Also called: MUSCULAR DYSTROPHY-DYSTROGLYCANOPATHY (LIMB-GIRDLE), TYPE C, 5; MUSCULAR DYSTROPHY, LIMB-GIRDLE, TYPE 2I; MUSCULAR DYSTROPHY-DYSTROGLYCANOPATHY, LIMB-GIRDLE, FRKP-RELATED. Identifiers: Orphanet 34515, MedGen C1846672, MONDO:0011787, OMIM 607155.
Cardiovascular phenotype. Identifiers: MedGen CN230736.

gnomAD v4.1: 6 of 1,599,662 alleles (0.00038%); highest among the groups gnomAD compares: African/African-American, 0.0013%; no homozygotes.

Submissions (2):

Ambry Genetics
Classification: Uncertain significance for Cardiovascular phenotype. Last evaluated: 2025-08-20. Review status: criteria provided, single submitter. Criteria: Ambry Variant Classification Scheme 2023. Collection method: clinical testing. Allele origin: germline.
Comment: The p.P64L variant (also known as c.191C>T), located in coding exon 1 of the FKRP gene, results from a C to T substitution at nucleotide position 191. The proline at codon 64 is replaced by leucine, an amino acid with similar properties. This amino acid position is conserved. In addition, the in silico prediction for this alteration is inconclusive. Based on the available evidence, the clinical significance of this variant remains unclear.

Natera, Inc.
Classification: Uncertain significance for Limb-girdle muscular dystrophy type 2I. Last evaluated: 2025-03-26. Review status: no assertion criteria provided. Collection method: clinical testing. Allele origin: germline. Not counted in ClinVar's aggregate classification.

NM_024301.5(FKRP):c.191C>T (p.Pro64Leu)

Gene: FKRP (fukutin related protein; plus strand). Cytogenetic location: 19q13.32.
Variant type: single nucleotide variant.
Coding change: c.191C>T on transcript NM_024301.5 (MANE Select); coding-DNA position 191, C replaced by T.
Protein change: p.Pro64Leu; replaces proline 64 with leucine.
Molecular consequence: missense variant.
Genome position (GRCh38, 1-based): chr19:46,755,641, C>T. VCF-style: chr19-46755641-C-T. GRCh37 (hg19) VCF-style: chr19-47258898-C-T.
Other names: c.191C>T, p.Pro64Leu (NM_001039885.3); short protein forms P64L.
Identifiers: ClinVar variation 4068095 (VCV004068095.2).